The following is an entry in ClinVar:

NM_003235.5(TG):c.3057C>T (p.Ser1019=)

Gene: TG (thyroglobulin; plus strand). Cytogenetic location: 8q24.22.
Variant type: single nucleotide variant.
Coding change: c.3057C>T on transcript NM_003235.5 (MANE Select); coding-DNA position 3057, C replaced by T.
Protein change: p.Ser1019=; no amino-acid change (serine 1019 retained).
Molecular consequence: synonymous variant.
Genome position (GRCh38, 1-based): chr8:132,897,704, C>T. VCF-style: chr8-132897704-C-T. GRCh37 (hg19) VCF-style: chr8-133909949-C-T.
Identifiers: ClinVar variation 361937 (VCV000361937.40), dbSNP rs116032324, ClinGen allele CA4883605.

ClinVar aggregate classification (germline): Conflicting classifications of pathogenicity. Review status: criteria provided, conflicting classifications (1 of 4 stars). 6 submissions from 6 submitters: Uncertain significance (1); Benign (2); Likely benign (1). 2 of the submissions do not count toward it. Last evaluated 2026-05-11.

Conditions:
Iodotyrosyl coupling defect (TDH3). Also called: HYPOTHYROIDISM, CONGENITAL, DUE TO DYSHORMONOGENESIS, 3; THYROID HORMONOGENESIS, GENETIC DEFECT IN, 3. Identifiers: Orphanet 95716, MedGen C0342194, MONDO:0010135, OMIM 274700.

Allele frequency attached by ClinVar (database versions not stated): ESP Exome Variant Server 0.00115; gnomAD 0.00120 and 0.00139; TOPMed 0.00127; gnomAD exomes 0.00213; 1000 Genomes Project 0.00220; 1000 Genomes Project 30x 0.00234; ExAC 0.00234.
gnomAD v4.1: 2,478 of 1,614,214 alleles (0.15%); highest among the groups gnomAD compares: Middle Eastern, 0.86%; 12 homozygotes.

Submissions (6):

Women's Health and Genetics/Laboratory Corporation of America, LabCorp
Classification: Benign. Last evaluated: 2026-05-11. Review status: criteria provided, single submitter. Criteria: LabCorp Variant Classification Summary - May 2015. Collection method: clinical testing. Allele origin: germline.

Labcorp Genetics (formerly Invitae), Labcorp
Classification: Benign. Last evaluated: 2026-01-28. Review status: criteria provided, single submitter. Criteria: Invitae Variant Classification Sherloc (09022015). Collection method: clinical testing. Allele origin: germline.

CeGaT Center for Human Genetics Tuebingen
Classification: Likely benign. Last evaluated: 2023-02-01. Review status: criteria provided, single submitter. Criteria: CeGaT Center For Human Genetics Tuebingen Variant Classification Criteria Version 2. Collection method: clinical testing. Allele origin: germline. Affected: yes. Observed: 3 variant alleles.
Comment: TG: BP4, BP7, BS2

Illumina Laboratory Services, Illumina
Classification: Uncertain significance for Iodotyrosyl coupling defect. Last evaluated: 2018-01-13. Review status: criteria provided, single submitter. Criteria: ICSL Variant Classification Criteria 13 December 2019. Collection method: clinical testing. Allele origin: germline.

Clinical Genetics DNA and cytogenetics Diagnostics Lab, Erasmus MC, Erasmus Medical Center
Classification: Likely benign. Review status: no assertion criteria provided. Collection method: clinical testing. Allele origin: germline. Affected: yes. Study: VKGL Data-share Consensus. Not counted in ClinVar's aggregate classification.

Clinical Genetics, Academic Medical Center
Classification: Benign. Review status: no assertion criteria provided. Collection method: clinical testing. Allele origin: germline. Affected: yes. Study: VKGL Data-share Consensus. Not counted in ClinVar's aggregate classification.